The following is an entry in ClinVar:

NM_182961.4(SYNE1):c.6522C>T (p.Thr2174=)

Gene: SYNE1 (spectrin repeat containing nuclear envelope protein 1; minus strand). Cytogenetic location: 6q25.2.
Variant type: single nucleotide variant.
Coding change: c.6522C>T on transcript NM_182961.4 (MANE Select); coding-DNA position 6522, C replaced by T.
Protein change: p.Thr2174=; no amino-acid change (threonine 2174 retained).
Molecular consequence: synonymous variant.
Genome position (GRCh38, 1-based): chr6:152,409,086, G>A on the plus strand (C>T on the coding strand, the complement: SYNE1 is on the minus strand). VCF-style: chr6-152409086-G-A. GRCh37 (hg19) VCF-style: chr6-152730221-G-A.
Other names: c.6543C>T, p.Thr2181= (NM_033071.5).
Identifiers: ClinVar variation 1143220 (VCV001143220.17), dbSNP rs202207841, ClinGen allele CA4058055.

ClinVar aggregate classification (germline): Likely benign. Review status: criteria provided, multiple submitters, no conflicts (2 of 4 stars). 2 submissions from 2 submitters: Likely benign (2). Last evaluated 2025-12-15.

Conditions:
Autosomal recessive ataxia, Beauce type. Also called: SYNE1-Related Autosomal Recessive Cerebellar Ataxia; ATAXIA, RECESSIVE, OF BEAUCE; SYNE1 Deficiency; Spinocerebellar ataxia, autosomal recessive 8. Identifiers: Orphanet 88644, MedGen C1853116, MONDO:0012549, OMIM 610743.
Emery-Dreifuss muscular dystrophy 4, autosomal dominant (EDMD4). Also called: EMERY-DREIFUSS MUSCULAR DYSTROPHY 4 WITH VARIABLE FEATURES. Identifiers: Orphanet 261, MedGen C2751807, MONDO:0013071, OMIM 612998.

Allele frequency attached by ClinVar (database versions not stated): gnomAD exomes 0.00002; TOPMed 0.00002; ExAC 0.00003; gnomAD 0.00003; ESP Exome Variant Server 0.00008; 1000 Genomes Project 30x 0.00016; 1000 Genomes Project 0.00020.
gnomAD v4.1: 32 of 1,613,976 alleles (0.002%); highest among the groups gnomAD compares: South Asian, 0.0033%; no homozygotes.

Submissions (2):

Labcorp Genetics (formerly Invitae), Labcorp
Classification: Likely benign for Emery-Dreifuss muscular dystrophy 4, autosomal dominant; Autosomal recessive ataxia, Beauce type. Last evaluated: 2025-12-15. Review status: criteria provided, single submitter. Criteria: Invitae Variant Classification Sherloc (09022015). Collection method: clinical testing. Allele origin: germline.

CeGaT Center for Human Genetics Tuebingen
Classification: Likely benign. Last evaluated: 2025-07-01. Review status: criteria provided, single submitter. Criteria: CeGaT Center For Human Genetics Tuebingen Variant Classification Criteria Version 2. Collection method: clinical testing. Allele origin: germline. Affected: yes. Observed: 1 variant allele.
Comment: SYNE1: BP4, BP7